The following is an entry in ClinVar:

NM_000536.4(RAG2):c.1260C>A (p.Cys420Ter)

Gene: RAG2 (recombination activating 2; minus strand). Cytogenetic location: 11p12.
Variant type: single nucleotide variant.
Coding change: c.1260C>A on transcript NM_000536.4 (MANE Select); coding-DNA position 1260, C replaced by A.
Protein change: p.Cys420Ter; replaces cysteine 420 with a stop codon.
Molecular consequence: nonsense.
Genome position (GRCh38, 1-based): chr11:36,592,909, G>T on the plus strand (C>A on the coding strand, the complement: RAG2 is on the minus strand). VCF-style: chr11-36592909-G-T. GRCh37 (hg19) VCF-style: chr11-36614459-G-T.
Other names: c.1260C>A, p.Cys420Ter (NM_001243785.2, NM_001243786.2); short protein forms C420*.
Identifiers: ClinVar variation 4814336 (VCV004814336.1).
Genomic context (GRCh38, chr11:36,592,909, plus strand): 5'-TTTGTTGAGCTCAGTTGAATAGAATGGTACCCAAGTGTTGATATCCACATCACAAGTAGG[G>T]CAGCATGTAATCCAGTAGCCTGTCTCAGACTCATCTTCTTCATCATCTTCATTATAGGTG-3'

ClinVar aggregate classification (germline): Likely pathogenic (1 of 4 stars; one submission).

Conditions:
Histiocytic medullary reticulosis. Also called: SEVERE COMBINED IMMUNODEFICIENCY WITH HYPEREOSINOPHILIA; Omenn syndrome. Identifiers: Orphanet 39041, MedGen C2700553, MONDO:0011338, OMIM 603554.

Submission:

Natera, Inc.
Classification: Likely pathogenic for Omenn syndrome. Last evaluated: 2025-02-26. Review status: criteria provided, single submitter. Criteria: Natera Variant Classification Schema (03/2026). Collection method: clinical testing. Allele origin: germline.
Comment: The c.1260C>A variant in RAG2 is a nonsense variant predicted to introduce a stop codon at amino acid 420. This variant is expected to result in nonsense mediated decay, truncation, or a dysfunctional protein product. This variant is rare in the general population with a frequency below the threshold expected for the associated phenotype(s). Given the available evidence, this variant is classified as Likely Pathogenic.